The following is an entry in ClinVar:

ClinVar aggregate classification (germline): Uncertain significance (1 of 4 stars; one submission).

Submission:

GeneDx
Classification: Uncertain significance. Last evaluated: 2025-07-13. Review status: criteria provided, single submitter. Criteria: GeneDx Variant Classification Process June 2021. Collection method: clinical testing. Allele origin: germline. Affected: yes.
Comment: Not observed at significant frequency in large population cohorts (gnomAD); In silico analysis suggests that this missense variant does not alter protein structure/function; Has not been previously published as pathogenic or benign to our knowledge

NM_015267.4(CUX2):c.2926G>C (p.Ala976Pro)

Gene: CUX2 (cut like homeobox 2; plus strand). Cytogenetic location: 12q24.12.
Variant type: single nucleotide variant.
Coding change: c.2926G>C on transcript NM_015267.4 (MANE Select); coding-DNA position 2926, G replaced by C.
Protein change: p.Ala976Pro; replaces alanine 976 with proline.
Molecular consequence: missense variant.
Genome position (GRCh38, 1-based): chr12:111,322,580, G>C. VCF-style: chr12-111322580-G-C. GRCh37 (hg19) VCF-style: chr12-111760384-G-C.
Other names: c.2740G>C, p.Ala914Pro (NM_001370598.1); short protein forms A914P, A976P.
Identifiers: ClinVar variation 4686400 (VCV004686400.1).